The following is an entry in ClinVar:

ClinVar aggregate classification (germline): Pathogenic (1 of 4 stars; one submission).

Conditions:
Ullrich congenital muscular dystrophy 1A. Also called: Ullrich congenital muscular dystrophy 1; Intermediate COL6-RD. Identifiers: Orphanet 75840, MedGen C0410179, MONDO:0009681, OMIM 254090.

Submission:

Laboratory of Medical Genetics, National & Kapodistrian University of Athens
Classification: Pathogenic for Ullrich congenital muscular dystrophy 1A. Last evaluated: 2021-08-10. Review status: criteria provided, single submitter. Criteria: ACMG Guidelines, 2015. Collection method: clinical testing. Allele origin: maternal. Affected: yes.
Comment: PVS1, PM2, PM3, PP3

Literature cited by the submitters: PubMed 34008892.

NM_001848.3(COL6A1):c.2460C>A (p.Cys820Ter)

Gene: COL6A1 (collagen type VI alpha 1 chain; plus strand). Cytogenetic location: 21q22.3.
Variant type: single nucleotide variant.
Coding change: c.2460C>A on transcript NM_001848.3 (MANE Select); coding-DNA position 2460, C replaced by A.
Protein change: p.Cys820Ter; replaces cysteine 820 with a stop codon.
Molecular consequence: nonsense.
Genome position (GRCh38, 1-based): chr21:46,003,145, C>A. VCF-style: chr21-46003145-C-A. GRCh37 (hg19) VCF-style: chr21-47423059-C-A.
Other names: short protein forms C820*.
Identifiers: ClinVar variation 1299552 (VCV001299552.1), dbSNP rs2077858751, ClinGen allele CA410538726.
Genomic context (GRCh38, chr21:46,003,145, plus strand): 5'-GTGGGCTCACACTGCACGGCTTTTCTCTTTTACAGACAAGAAGTGTCCAGATTACACCTG[C>A]CCCAGTGAGTACCTCGGCGGCCGGGACACGTGGGGAGGAGGGCACCGTGGTTGGGGCGAG-3'